The following is an entry in ClinVar:

ClinVar aggregate classification (germline): Uncertain significance (1 of 4 stars; one submission).

gnomAD v4.1: 46 of 1,613,724 alleles (0.0029%); highest among the groups gnomAD compares: Admixed American, 0.005%; no homozygotes.

Submission:

Women's Health and Genetics/Laboratory Corporation of America, LabCorp
Classification: Uncertain significance. Last evaluated: 2025-10-29. Review status: criteria provided, single submitter. Criteria: LabCorp Variant Classification Summary - May 2015. Collection method: clinical testing. Allele origin: germline.
Comment: Variant summary: FAT2 c.9664G>A (p.Glu3222Lys) results in a conservative amino acid change in the encoded protein sequence. Algorithms developed to predict the effect of missense changes on protein structure and function are either unavailable or do not agree on the potential impact of this missense change. The variant allele was found at a frequency of 2.4e-05 in 250698 control chromosomes. The available data on variant occurrences in the general population are insufficient to allow any conclusion about variant significance. To our knowledge, no occurrence of c.9664G>A in individuals affected with FAT2-related conditions and no experimental evidence demonstrating its impact on protein function have been reported. No submitters have cited clinical-significance assessments for this variant to ClinVar. Based on the evidence outlined above, the variant was classified as uncertain significance.

NM_001447.3(FAT2):c.9664G>A (p.Glu3222Lys)

Genes: FAT2 (FAT atypical cadherin 2; minus strand), SLC36A1 (solute carrier family 36 member 1; plus strand). Cytogenetic location: 5q33.1.
Variant type: single nucleotide variant.
Coding change: c.9664G>A on transcript NM_001447.3 (MANE Select); coding-DNA position 9664, G replaced by A.
Protein change: p.Glu3222Lys; replaces glutamic acid 3222 with lysine.
Molecular consequence: missense variant.
Genome position (GRCh38, 1-based): chr5:151,531,734, C>T on the plus strand (G>A on the coding strand, the complement: FAT2 is on the minus strand). VCF-style: chr5-151531734-C-T. GRCh37 (hg19) VCF-style: chr5-150911295-C-T.
Other names: short protein forms E3222K.
Identifiers: ClinVar variation 4687581 (VCV004687581.1).